The following is an entry in ClinVar:

ClinVar aggregate classification (germline): Uncertain significance. Review status: criteria provided, multiple submitters, no conflicts (2 of 4 stars). 2 submissions from 2 submitters: Uncertain significance (2). Last evaluated 2025-03-28.

Conditions:
Inborn genetic diseases. Identifiers: MedGen C0950123, MeSH D030342.

Allele frequency attached by ClinVar (database versions not stated): TOPMed below 0.00001; gnomAD exomes 0.00001.
gnomAD v4.1: 10 of 1,542,186 alleles (0.00065%); highest among the groups gnomAD compares: Middle Eastern, 0.017%; no homozygotes.

Submissions (2):

Ambry Genetics
Classification: Uncertain significance for Inborn genetic diseases. Last evaluated: 2025-03-28. Review status: criteria provided, single submitter. Criteria: Ambry Variant Classification Scheme 2023. Collection method: clinical testing. Allele origin: germline.

Labcorp Genetics (formerly Invitae), Labcorp
Classification: Uncertain significance. Last evaluated: 2025-02-23. Review status: criteria provided, single submitter. Criteria: Invitae Variant Classification Sherloc (09022015). Collection method: clinical testing. Allele origin: germline.
Comment: This sequence change replaces asparagine, which is neutral and polar, with serine, which is neutral and polar, at codon 773 of the NEDD4L protein (p.Asn773Ser). The frequency data for this variant in the population databases is considered unreliable, as metrics indicate poor data quality at this position in the gnomAD database. This variant has not been reported in the literature in individuals affected with NEDD4L-related conditions. ClinVar contains an entry for this variant (Variation ID: 1497538). Invitae Evidence Modeling of protein sequence and biophysical properties (such as structural, functional, and spatial information, amino acid conservation, physicochemical variation, residue mobility, and thermodynamic stability) indicates that this missense variant is not expected to disrupt NEDD4L protein function with a negative predictive value of 80%. In summary, the available evidence is currently insufficient to determine the role of this variant in disease. Therefore, it has been classified as a Variant of Uncertain Significance.

NM_001144967.3(NEDD4L):c.2378A>G (p.Asn793Ser)

Gene: NEDD4L (NEDD4 like E3 ubiquitin protein ligase; plus strand). Cytogenetic location: 18q21.31.
Variant type: single nucleotide variant.
Coding change: c.2378A>G on transcript NM_001144967.3 (MANE Select); coding-DNA position 2378, A replaced by G.
Protein change: p.Asn793Ser; replaces asparagine 793 with serine.
Molecular consequence: missense variant.
Genome position (GRCh38, 1-based): chr18:58,383,271, A>G. VCF-style: chr18-58383271-A-G. GRCh37 (hg19) VCF-style: chr18-56050503-A-G.
Other names: c.2015A>G, p.Asn672Ser (NM_001144964.1, NM_001144965.2, NM_001144966.3); c.2354A>G, p.Asn785Ser (NM_001144968.2); c.2294A>G, p.Asn765Ser (NM_001144969.2); c.1955A>G, p.Asn652Ser (NM_001144970.3, NM_001144971.2); c.2186A>G, p.Asn729Ser (NM_001243960.2); c.2318A>G, p.Asn773Ser (NM_015277.6); c.2318A>G (NM_015277.5); short protein forms N785S, N793S, N652S, N729S, N773S, N672S, N765S.
Identifiers: ClinVar variation 1497538 (VCV001497538.7), dbSNP rs773223658, ClinGen allele CA8975940.
Genomic context (GRCh38, chr18:58,383,271, plus strand): 5'-TGATAGTAATTGTTGTTTTGTCTTTGTAATTACAGACATATCAAGTGGATTTGAAGCCCA[A>G]TGGGTCAGAAATAATGGTCACAAATGAAAACAAAAGGGAATATATCGAGTATGTATACAC-3'
Protein context (NP_001138439.1, residues 783-803): GQTYQVDLKP[Asn793Ser]GSEIMVTNEN